The following is an entry in ClinVar:

ClinVar aggregate classification (germline): Uncertain significance. Review status: criteria provided, multiple submitters, no conflicts (2 of 4 stars). 4 submissions from 4 submitters: Uncertain significance (4). Last evaluated 2026-01-12.

Conditions:
Plasminogen deficiency, type I. Also called: Type 1 plasminogen deficiency; Hypoplasminogenemia. Identifiers: Orphanet 722, MedGen C1968804, MONDO:0009009, OMIM 217090.
Angioedema, hereditary, 4. Identifiers: MedGen C5543503, MONDO:0025712, OMIM 619360.
Inborn genetic diseases. Identifiers: MedGen C0950123, MeSH D030342.

Allele frequency attached by ClinVar (database versions not stated): TOPMed 0.00002; ExAC 0.00003; gnomAD 0.00003; gnomAD exomes 0.00004 and 0.00006.
gnomAD v4.1: 101 of 1,613,968 alleles (0.0063%); highest among the groups gnomAD compares: South Asian, 0.013%; no homozygotes.

Submissions (4):

Labcorp Genetics (formerly Invitae), Labcorp
Classification: Uncertain significance. Last evaluated: 2026-01-12. Review status: criteria provided, single submitter. Criteria: Invitae Variant Classification Sherloc (09022015). Collection method: clinical testing. Allele origin: germline.
Comment: This sequence change replaces proline, which is neutral and non-polar, with leucine, which is neutral and non-polar, at codon 465 of the PLG protein (p.Pro465Leu). This variant is present in population databases (rs374995543, gnomAD 0.03%). This variant has not been reported in the literature in individuals affected with PLG-related conditions. ClinVar contains an entry for this variant (Variation ID: 1693940). Invitae Evidence Modeling of protein sequence and biophysical properties (such as structural, functional, and spatial information, amino acid conservation, physicochemical variation, residue mobility, and thermodynamic stability) indicates that this missense variant is not expected to disrupt PLG protein function with a negative predictive value of 80%. In summary, the available evidence is currently insufficient to determine the role of this variant in disease. Therefore, it has been classified as a Variant of Uncertain Significance.

Ambry Genetics
Classification: Uncertain significance for Inborn genetic diseases. Last evaluated: 2022-03-29. Review status: criteria provided, single submitter. Criteria: Ambry Variant Classification Scheme 2023. Collection method: clinical testing. Allele origin: germline.

Fulgent Genetics
Classification: Uncertain significance for Plasminogen deficiency, type I; Angioedema, hereditary, 4. Last evaluated: 2022-01-11. Review status: criteria provided, single submitter. Criteria: ACMG Guidelines, 2015. Collection method: clinical testing. Allele origin: unknown.

Mayo Clinic Laboratories, Mayo Clinic
Classification: Uncertain significance. Last evaluated: 2021-07-21. Review status: criteria provided, single submitter. Criteria: ACMG Guidelines, 2015. Collection method: clinical testing. Allele origin: germline.

NM_000301.5(PLG):c.1394C>T (p.Pro465Leu)

Gene: PLG (plasminogen; plus strand). Cytogenetic location: 6q26.
Variant type: single nucleotide variant.
Coding change: c.1394C>T on transcript NM_000301.5 (MANE Select); coding-DNA position 1394, C replaced by T.
Protein change: p.Pro465Leu; replaces proline 465 with leucine.
Molecular consequence: missense variant.
Genome position (GRCh38, 1-based): chr6:160,731,188, C>T. VCF-style: chr6-160731188-C-T. GRCh37 (hg19) VCF-style: chr6-161152220-C-T.
Other names: p.Pro465Leu; short protein forms P465L.
Identifiers: ClinVar variation 1693940 (VCV001693940.11), dbSNP rs374995543, ClinGen allele CA4087767.